The following is an entry in ClinVar:

ClinVar aggregate classification (germline): Uncertain significance. Review status: criteria provided, multiple submitters, no conflicts (2 of 4 stars). 3 submissions from 3 submitters: Uncertain significance (3). Last evaluated 2025-08-19.

Conditions:
Inborn genetic diseases. Identifiers: MedGen C0950123, MeSH D030342.

Allele frequency attached by ClinVar (database versions not stated): ExAC 0.00005; TOPMed 0.00012; gnomAD 0.00013; gnomAD exomes 0.00014.
gnomAD v4.1: 213 of 1,611,886 alleles (0.013%); highest among the groups gnomAD compares: Non-Finnish European, 0.017%; no homozygotes.

Submissions (3):

Ambry Genetics
Classification: Uncertain significance for Inborn genetic diseases. Last evaluated: 2025-08-19. Review status: criteria provided, single submitter. Criteria: Ambry Variant Classification Scheme 2023. Collection method: clinical testing. Allele origin: germline.

Labcorp Genetics (formerly Invitae), Labcorp
Classification: Uncertain significance. Last evaluated: 2022-10-17. Review status: criteria provided, single submitter. Criteria: Invitae Variant Classification Sherloc (09022015). Collection method: clinical testing. Allele origin: germline.
Comment: This variant has not been reported in the literature in individuals affected with HSPG2-related conditions. This variant is present in population databases (rs760286913, gnomAD 0.01%). This sequence change replaces glutamic acid, which is acidic and polar, with lysine, which is basic and polar, at codon 2988 of the HSPG2 protein (p.Glu2988Lys). Algorithms developed to predict the effect of missense changes on protein structure and function are either unavailable or do not agree on the potential impact of this missense change (SIFT: "Tolerated"; PolyPhen-2: "Probably Damaging"; Align-GVGD: "Class C0"). In summary, the available evidence is currently insufficient to determine the role of this variant in disease. Therefore, it has been classified as a Variant of Uncertain Significance.

Revvity Omics, Revvity
Classification: Uncertain significance. Last evaluated: 2019-02-13. Review status: criteria provided, single submitter. Criteria: ACMG Guidelines, 2015. Collection method: clinical testing. Allele origin: germline.

NM_005529.7(HSPG2):c.8962G>A (p.Glu2988Lys)

Gene: HSPG2 (heparan sulfate proteoglycan 2; minus strand). Cytogenetic location: 1p36.12.
Variant type: single nucleotide variant.
Coding change: c.8962G>A on transcript NM_005529.7 (MANE Select); coding-DNA position 8962, G replaced by A.
Protein change: p.Glu2988Lys; replaces glutamic acid 2988 with lysine.
Molecular consequence: missense variant.
Genome position (GRCh38, 1-based): chr1:21,842,329, C>T on the plus strand (G>A on the coding strand, the complement: HSPG2 is on the minus strand). VCF-style: chr1-21842329-C-T. GRCh37 (hg19) VCF-style: chr1-22168822-C-T.
Other names: c.8962G>A (NM_005529.5); c.8965G>A, p.Glu2989Lys (NM_001291860.2); short protein forms E2988K, E2989K.
Identifiers: ClinVar variation 2186344 (VCV002186344.10), dbSNP rs760286913, ClinGen allele CA670600.